The following is an entry in ClinVar:

NM_014423.4(AFF4):c.2713A>G (p.Lys905Glu)

Gene: AFF4 (ALF transcription elongation factor 4; minus strand). Cytogenetic location: 5q31.1.
Variant type: single nucleotide variant.
Coding change: c.2713A>G on transcript NM_014423.4 (MANE Select); coding-DNA position 2713, A replaced by G.
Protein change: p.Lys905Glu; replaces lysine 905 with glutamic acid.
Molecular consequence: missense variant.
Genome position (GRCh38, 1-based): chr5:132,889,098, T>C on the plus strand (A>G on the coding strand, the complement: AFF4 is on the minus strand). VCF-style: chr5-132889098-T-C. GRCh37 (hg19) VCF-style: chr5-132224790-T-C.
Other names: short protein forms K905E.
Identifiers: ClinVar variation 4247835 (VCV004247835.2).

ClinVar aggregate classification (germline): Uncertain significance. Review status: criteria provided, multiple submitters, no conflicts (2 of 4 stars). 2 submissions from 2 submitters: Uncertain significance (2). Last evaluated 2026-02-18.

Conditions:
AFF4-related disorder. Also called: AFF4-related condition.
Inborn genetic diseases. Identifiers: MedGen C0950123, MeSH D030342.

gnomAD v4.1: 4 of 1,613,414 alleles (0.00025%); highest among the groups gnomAD compares: African/African-American, 0.0053%; no homozygotes.

Submissions (2):

PreventionGenetics, part of Exact Sciences
Classification: Uncertain significance for AFF4-related condition. Last evaluated: 2026-02-18. Review status: criteria provided, single submitter. Criteria: ACMG Guidelines, 2015. Collection method: clinical testing. Allele origin: germline.
Comment: The AFF4 c.2713A>G variant is predicted to result in the amino acid substitution p.Lys905Glu. To our knowledge, this variant has not been reported in the literature or in a large population database (gnomAD), indicating this variant is rare. At this time, the clinical significance of this variant is uncertain due to the absence of conclusive functional and genetic evidence.

Ambry Genetics
Classification: Uncertain significance for Inborn genetic diseases. Last evaluated: 2025-06-17. Review status: criteria provided, single submitter. Criteria: Ambry Variant Classification Scheme 2023. Collection method: clinical testing. Allele origin: germline.